The following is an entry in ClinVar:

ClinVar aggregate classification (germline): Pathogenic (1 of 4 stars; one submission).

Conditions:
Propionic acidemia (PROP). Also called: GLYCINEMIA, KETOTIC; HYPERGLYCINEMIA WITH KETOACIDOSIS AND LEUKOPENIA; KETOTIC HYPERGLYCINEMIA. Identifiers: Orphanet 35, MedGen C0268579, MONDO:0011628, OMIM 606054, HP:0003571.

Submission:

Labcorp Genetics (formerly Invitae), Labcorp
Classification: Pathogenic for Propionic acidemia. Last evaluated: 2022-09-07. Review status: criteria provided, single submitter. Criteria: Invitae Variant Classification Sherloc (09022015). Collection method: clinical testing. Allele origin: germline.
Comment: This variant is a gross deletion of the genomic region encompassing exon(s) 9-18 of the PCCA gene. This deletion is out-of-frame, and is expected to create a premature termination codon and result in an absent or disrupted protein product. Loss-of-function variants in PCCA are known to be pathogenic (PMID: 15464417). This variant has not been reported in the literature in individuals affected with PCCA-related conditions. For these reasons, this variant has been classified as Pathogenic.

Literature cited by the submitters: PubMed 15464417.

NC_000013.10:g.(?_100909839)_(100992523_?)del

Gene: PCCA (propionyl-CoA carboxylase subunit alpha; plus strand). Cytogenetic location: 13q32.3.
Variant type: Deletion.
Identifiers: ClinVar variation 2422805 (VCV002422805.3).